The following is an entry in ClinVar:

ClinVar aggregate classification (germline): Uncertain significance (1 of 4 stars; one submission).

Conditions:
Congenital contractural arachnodactyly (CCA). Also called: BEALS SYNDROME; Beals-Hecht syndrome; Arthrogryposis, distal, type 9. Identifiers: Orphanet 115, MedGen C0220668, MONDO:0007363, OMIM 121050.

Submission:

Labcorp Genetics (formerly Invitae), Labcorp
Classification: Uncertain significance for Congenital contractural arachnodactyly. Last evaluated: 2023-11-08. Review status: criteria provided, single submitter. Criteria: Invitae Variant Classification Sherloc (09022015). Collection method: clinical testing. Allele origin: germline.
Comment: This sequence change replaces proline, which is neutral and non-polar, with threonine, which is neutral and polar, at codon 1778 of the FBN2 protein (p.Pro1778Thr). This variant is not present in population databases (gnomAD no frequency). This variant has not been reported in the literature in individuals affected with FBN2-related conditions. Advanced modeling of protein sequence and biophysical properties (such as structural, functional, and spatial information, amino acid conservation, physicochemical variation, residue mobility, and thermodynamic stability) performed at Invitae indicates that this missense variant is not expected to disrupt FBN2 protein function with a negative predictive value of 80%. In summary, the available evidence is currently insufficient to determine the role of this variant in disease. Therefore, it has been classified as a Variant of Uncertain Significance.

NM_001999.4(FBN2):c.5332C>A (p.Pro1778Thr)

Gene: FBN2 (fibrillin 2; minus strand). Cytogenetic location: 5q23.3.
Variant type: single nucleotide variant.
Coding change: c.5332C>A on transcript NM_001999.4 (MANE Select); coding-DNA position 5332, C replaced by A.
Protein change: p.Pro1778Thr; replaces proline 1778 with threonine.
Molecular consequence: missense variant.
Genome position (GRCh38, 1-based): chr5:128,309,268, G>T on the plus strand (C>A on the coding strand, the complement: FBN2 is on the minus strand). VCF-style: chr5-128309268-G-T. GRCh37 (hg19) VCF-style: chr5-127644960-G-T.
Other names: short protein forms P1778T.
Identifiers: ClinVar variation 3008994 (VCV003008994.3), dbSNP rs2479733938, ClinGen allele CA360743510.